The following is an entry in ClinVar:

ClinVar aggregate classification (germline): Pathogenic (1 of 4 stars; one submission).

Conditions:
Neuronal ceroid lipofuscinosis 7 (CLN7). Also called: MFSD8-Related Neuronal Ceroid-Lipofuscinosis. Identifiers: Orphanet 168491, Orphanet 228366, MedGen C1838571, MONDO:0012588, OMIM 610951.

Submission:

Medical Genetic Diagnosis and Therapy Center, Fujian Medical University
Classification: Pathogenic for Neuronal ceroid lipofuscinosis 7. Last evaluated: 2025-04-22. Review status: criteria provided, single submitter. Criteria: ACMG Guidelines 2015. Collection method: clinical testing, in vitro. Allele origin: maternal, not applicable. Inheritance: Autosomal recessive inheritance. Affected: yes. Observed: 1 compound heterozygote. Functional consequence: sequence_variant_causes_exon_loss.
Comment: This variant is classified as pathogenic according to the ACMG guidelines (P: PVS1+PM2+PM3).

Literature cited by the submitters: PubMed 37250406.

NM_001371596.2(MFSD8):c.863+995_998+1480del

Gene: MFSD8 (major facilitator superfamily domain containing 8; minus strand). Cytogenetic location: 4q28.2.
Variant type: Deletion.
Coding change: c.863+995_998+1480del on transcript NM_001371596.2 (MANE Select); 995 bases into the intron after coding-DNA position 863 through 1480 bases into the intron after coding-DNA position 998, 2,788 bases deleted.
Molecular consequence: splice acceptor variant, splice donor variant.
Genome position (GRCh38, 1-based): chr4:127,929,203-127,931,990, 2,788 bases deleted. GRCh37 (hg19): chr4:128,850,371-128,853,158.
Other names: c.581+995_716+1480del (NM_001371595.1); c.413+995_548+1480del (NM_001410765.1); c.728+995_863+1480del (NM_001371590.2); c.863+995_998+1480del (NM_152778.4, NM_001371591.2); c.548+995_683+1480del (NM_001363521.3); c.749+995_884+1480del (NM_001410766.1, NM_001371593.2); c.662+995_797+1480del (NM_001363520.3); c.716+995_851+1480del (NM_001371594.2); and 2 more.
Identifiers: ClinVar variation 2446772 (VCV002446772.4), ClinGen allele CA2582341567.